The following is an entry in ClinVar:

ClinVar aggregate classification (germline): Likely benign. Review status: criteria provided, multiple submitters, no conflicts (2 of 4 stars). 5 submissions from 5 submitters: Likely benign (5). Last evaluated 2026-09-01.

Conditions:
ARID1A-related disorder. Also called: ARID1A-related condition.

Allele frequency attached by ClinVar (database versions not stated): gnomAD exomes 0.00004 and 0.00009; gnomAD 0.00005 and 0.00006; TOPMed 0.00006; ExAC 0.00010.
gnomAD v4.1: 72 of 1,614,022 alleles (0.0045%); highest among the groups gnomAD compares: Admixed American, 0.038%; no homozygotes.

Submissions (5):

CeGaT Center for Human Genetics Tuebingen
Classification: Likely benign. Last evaluated: 2026-09-01. Review status: criteria provided, single submitter. Criteria: CeGaT Center For Human Genetics Tuebingen Variant Classification Criteria Version 2. Collection method: clinical testing. Allele origin: germline. Affected: yes. Observed: 3 variant alleles.
Comment: ARID1A: BS2

PreventionGenetics, part of Exact Sciences
Classification: Likely benign for ARID1A-related condition. Last evaluated: 2026-08-28. Review status: criteria provided, single submitter. Criteria: ACMG Guidelines, 2015. Collection method: clinical testing. Allele origin: germline.
Comment: This variant is classified as likely benign based on ACMG/AMP sequence variant interpretation guidelines (Richards et al. 2015 PMID: 25741868, with internal and published modifications).

Labcorp Genetics (formerly Invitae), Labcorp
Classification: Likely benign. Last evaluated: 2025-07-06. Review status: criteria provided, single submitter. Criteria: Invitae Variant Classification Sherloc (09022015). Collection method: clinical testing. Allele origin: germline.

Blueprint Genetics
Classification: Likely benign. Last evaluated: 2024-11-06. Review status: criteria provided, single submitter. Criteria: ACMG Guidelines, 2015. Collection method: clinical testing. Allele origin: germline.

GeneDx
Classification: Likely benign. Last evaluated: 2020-10-02. Review status: criteria provided, single submitter. Criteria: GeneDx Variant Classification Process June 2021. Collection method: clinical testing. Allele origin: germline. Affected: yes.

NM_006015.6(ARID1A):c.4576G>A (p.Val1526Met)

Gene: ARID1A (AT-rich interaction domain 1A; plus strand). Cytogenetic location: 1p36.11.
Variant type: single nucleotide variant.
Coding change: c.4576G>A on transcript NM_006015.6 (MANE Select); coding-DNA position 4576, G replaced by A.
Protein change: p.Val1526Met; replaces valine 1526 with methionine.
Molecular consequence: missense variant. On other transcripts: intron variant (1).
Genome position (GRCh38, 1-based): chr1:26,774,803, G>A. VCF-style: chr1-26774803-G-A. GRCh37 (hg19) VCF-style: chr1-27101294-G-A.
Other names: c.4102-177G>A (NM_139135.4); short protein forms V1526M.
Identifiers: ClinVar variation 1196466 (VCV001196466.26), dbSNP rs773815689, ClinGen allele CA707483.